The following is an entry in ClinVar:

NM_001853.4(COL9A3):c.125A>T (p.Lys42Met)

Gene: COL9A3 (collagen type IX alpha 3 chain; plus strand). Cytogenetic location: 20q13.33.
Variant type: single nucleotide variant.
Coding change: c.125A>T on transcript NM_001853.4 (MANE Select); coding-DNA position 125, A replaced by T.
Protein change: p.Lys42Met; replaces lysine 42 with methionine.
Molecular consequence: missense variant.
Genome position (GRCh38, 1-based): chr20:62,817,613, A>T. VCF-style: chr20-62817613-A-T. GRCh37 (hg19) VCF-style: chr20-61448965-A-T.
Other names: short protein forms K42M.
Identifiers: ClinVar variation 1304642 (VCV001304642.5), dbSNP rs539023618, ClinGen allele CA409587172.

ClinVar aggregate classification (germline): Uncertain significance. Review status: criteria provided, multiple submitters, no conflicts (2 of 4 stars). 2 submissions from 2 submitters: Uncertain significance (2). Last evaluated 2025-12-16.

Allele frequency attached by ClinVar (database versions not stated): gnomAD exomes 0.00001; gnomAD 0.00005.

Submissions (2):

Labcorp Genetics (formerly Invitae), Labcorp
Classification: Uncertain significance. Last evaluated: 2025-12-16. Review status: criteria provided, single submitter. Criteria: Invitae Variant Classification Sherloc (09022015). Collection method: clinical testing. Allele origin: germline.
Comment: This sequence change replaces lysine, which is basic and polar, with methionine, which is neutral and non-polar, at codon 42 of the COL9A3 protein (p.Lys42Met). This variant is present in population databases (no rsID available, gnomAD 0.005%). This variant has not been reported in the literature in individuals affected with COL9A3-related conditions. ClinVar contains an entry for this variant (Variation ID: 1304642). Invitae Evidence Modeling of protein sequence and biophysical properties (such as structural, functional, and spatial information, amino acid conservation, physicochemical variation, residue mobility, and thermodynamic stability) indicates that this missense variant is not expected to disrupt COL9A3 protein function with a negative predictive value of 95%. In summary, the available evidence is currently insufficient to determine the role of this variant in disease. Therefore, it has been classified as a Variant of Uncertain Significance.

GeneDx
Classification: Uncertain significance. Last evaluated: 2024-08-17. Review status: criteria provided, single submitter. Criteria: GeneDx Variant Classification Process June 2021. Collection method: clinical testing. Allele origin: germline. Affected: yes.
Comment: Has not been previously published as pathogenic or benign to our knowledge; Not observed at significant frequency in large population cohorts (gnomAD); In silico analysis supports that this missense variant does not alter protein structure/function